The following is an entry in ClinVar:

ClinVar aggregate classification (germline): Uncertain significance (1 of 4 stars; one submission).

Conditions:
Developmental and epileptic encephalopathy 94 (DEE94). Also called: CHD2-Related Neurodevelopmental Disorders; Epileptic encephalopathy, childhood-onset. Identifiers: Orphanet 1942, Orphanet 2382, MedGen C3809278, MONDO:0014150, OMIM 615369.

Allele frequency attached by ClinVar (database versions not stated): TOPMed below 0.00001; gnomAD 0.00001; ExAC 0.00002; ESP Exome Variant Server 0.00008.
gnomAD v4.1: 5 of 1,611,478 alleles (0.00031%); highest among the groups gnomAD compares: Admixed American, 0.0017%; no homozygotes.

Submission:

Labcorp Genetics (formerly Invitae), Labcorp
Classification: Uncertain significance for Developmental and epileptic encephalopathy 94. Last evaluated: 2024-12-19. Review status: criteria provided, single submitter. Criteria: Invitae Variant Classification Sherloc (09022015). Collection method: clinical testing. Allele origin: germline.
Comment: This sequence change replaces isoleucine, which is neutral and non-polar, with phenylalanine, which is neutral and non-polar, at codon 453 of the CHD2 protein (p.Ile453Phe). This variant is not present in population databases (gnomAD no frequency). This variant has not been reported in the literature in individuals affected with CHD2-related conditions. ClinVar contains an entry for this variant (Variation ID: 1010354). Invitae Evidence Modeling of protein sequence and biophysical properties (such as structural, functional, and spatial information, amino acid conservation, physicochemical variation, residue mobility, and thermodynamic stability) indicates that this missense variant is not expected to disrupt CHD2 protein function with a negative predictive value of 95%. In summary, the available evidence is currently insufficient to determine the role of this variant in disease. Therefore, it has been classified as a Variant of Uncertain Significance.

NM_001271.4(CHD2):c.1357A>T (p.Ile453Phe)

Gene: CHD2 (chromodomain helicase DNA binding protein 2; plus strand). Cytogenetic location: 15q26.1.
Variant type: single nucleotide variant.
Coding change: c.1357A>T on transcript NM_001271.4 (MANE Select); coding-DNA position 1357, A replaced by T.
Protein change: p.Ile453Phe; replaces isoleucine 453 with phenylalanine.
Molecular consequence: missense variant.
Genome position (GRCh38, 1-based): chr15:92,946,196, A>T. VCF-style: chr15-92946196-A-T. GRCh37 (hg19) VCF-style: chr15-93489426-A-T.
Other names: c.1357A>T, p.Ile453Phe (NM_001042572.3); short protein forms I453F.
Identifiers: ClinVar variation 1010354 (VCV001010354.7), dbSNP rs144393676, ClinGen allele CA7747782.
Genomic context (GRCh38, chr15:92,946,196, plus strand): 5'-ATTGGAAAGAAATTCCAGAATTGCATTGACAGCTTCCACAGTAGGAACAACTCAAAAACC[A>T]TCCCAACAAGAGAATGCAAGGTATGGTGATGGTTGGCTTTTGTTTTTTCAGGGAGAAGAT-3'
Protein context (NP_001262.3, residues 443-463): SFHSRNNSKT[Ile453Phe]PTRECKALKQ